The following is an entry in ClinVar:

NM_001292063.2(OTOG):c.6360G>A (p.Lys2120=)

Gene: OTOG (otogelin; plus strand). Cytogenetic location: 11p15.1.
Variant type: single nucleotide variant.
Coding change: c.6360G>A on transcript NM_001292063.2 (MANE Select); coding-DNA position 6360, G replaced by A.
Protein change: p.Lys2120=; no amino-acid change (lysine 2120 retained).
Molecular consequence: synonymous variant.
Genome position (GRCh38, 1-based): chr11:17,612,687, G>A. VCF-style: chr11-17612687-G-A. GRCh37 (hg19) VCF-style: chr11-17634234-G-A.
Other names: c.6396G>A, p.Lys2132= (NM_001277269.2); c.6396G>A (NM_001277269.1).
Identifiers: ClinVar variation 2797909 (VCV002797909.4), dbSNP rs1021238913, ClinGen allele CA218478871.

ClinVar aggregate classification (germline): Likely benign. Review status: criteria provided, multiple submitters, no conflicts (2 of 4 stars). 2 submissions from 2 submitters: Likely benign (2). Last evaluated 2025-04-16.

Conditions:
OTOG-related disorder. Also called: OTOG-related condition.

Allele frequency attached by ClinVar (database versions not stated): TOPMed 0.00002; gnomAD exomes below 0.00001; gnomAD 0.00001.
gnomAD v4.1: 4 of 1,550,506 alleles (0.00026%); highest among the groups gnomAD compares: African/African-American, 0.0055%; no homozygotes.

Submissions (2):

PreventionGenetics, part of Exact Sciences
Classification: Likely benign for OTOG-related condition. Last evaluated: 2025-04-16. Review status: criteria provided, single submitter. Criteria: ACMG Guidelines, 2015. Collection method: clinical testing. Allele origin: germline.
Comment: This variant is classified as likely benign based on ACMG/AMP sequence variant interpretation guidelines (Richards et al. 2015 PMID: 25741868, with internal and published modifications).

Labcorp Genetics (formerly Invitae), Labcorp
Classification: Likely benign. Last evaluated: 2023-03-17. Review status: criteria provided, single submitter. Criteria: Invitae Variant Classification Sherloc (09022015). Collection method: clinical testing. Allele origin: germline.